The following is an entry in ClinVar:

NM_001457.4(FLNB):c.4288G>A (p.Gly1430Arg)

Gene: FLNB (filamin B; plus strand). Cytogenetic location: 3p14.3.
Variant type: single nucleotide variant.
Coding change: c.4288G>A on transcript NM_001457.4 (MANE Select); coding-DNA position 4288, G replaced by A.
Protein change: p.Gly1430Arg; replaces glycine 1430 with arginine.
Molecular consequence: missense variant.
Genome position (GRCh38, 1-based): chr3:58,130,806, G>A. VCF-style: chr3-58130806-G-A. GRCh37 (hg19) VCF-style: chr3-58116533-G-A.
Other names: c.4288G>A, p.Gly1430Arg (NM_001164317.2, NM_001164318.2, NM_001164319.2); short protein forms G1430R.
Identifiers: ClinVar variation 1098697 (VCV001098697.3), dbSNP rs779999799, ClinGen allele CA2468713.
Genomic context (GRCh38, chr3:58,130,806, plus strand): 5'-CCCTTCAGGGTTCCTGTGAAGGATGTTGTGGACCCCAGCAAGGTCAAGATTGCCGGCCCC[G>A]GGCTGGGCTCAGGCGTCCGAGCCCGTGTCCTGCAGTCCTTCACGGTGGACAGCAGCAAGG-3'
Protein context (NP_001448.2, residues 1420-1440): DPSKVKIAGP[Gly1430Arg]LGSGVRARVL

ClinVar aggregate classification (germline): Uncertain significance. Review status: criteria provided, multiple submitters, no conflicts (2 of 4 stars). 2 submissions from 2 submitters: Uncertain significance (2). Last evaluated 2025-12-13.

Allele frequency attached by ClinVar (database versions not stated): gnomAD 0.00002 and 0.00003; gnomAD exomes 0.00002; ExAC 0.00001; TOPMed 0.00002.
gnomAD v4.1: 31 of 1,613,832 alleles (0.0019%); highest among the groups gnomAD compares: African/African-American, 0.0053%; no homozygotes.

Submissions (2):

Labcorp Genetics (formerly Invitae), Labcorp
Classification: Uncertain significance. Last evaluated: 2025-12-13. Review status: criteria provided, single submitter. Criteria: Invitae Variant Classification Sherloc (09022015). Collection method: clinical testing. Allele origin: germline.
Comment: This sequence change replaces glycine, which is neutral and non-polar, with arginine, which is basic and polar, at codon 1430 of the FLNB protein (p.Gly1430Arg). This variant is present in population databases (rs779999799, gnomAD 0.01%). This variant has not been reported in the literature in individuals affected with FLNB-related conditions. ClinVar contains an entry for this variant (Variation ID: 1098697). Invitae Evidence Modeling of protein sequence and biophysical properties (such as structural, functional, and spatial information, amino acid conservation, physicochemical variation, residue mobility, and thermodynamic stability) indicates that this missense variant is expected to disrupt FLNB protein function with a positive predictive value of 95%. In summary, the available evidence is currently insufficient to determine the role of this variant in disease. Therefore, it has been classified as a Variant of Uncertain Significance.

New York Genome Center
Classification: Uncertain significance. Last evaluated: 2020-07-02. Review status: criteria provided, single submitter. Criteria: NYGC Assertion Criteria 2020. Collection method: clinical testing. Allele origin: germline. Observed: 1 heterozygote. Study: CSER-NYCKidSeq.